The following is an entry in ClinVar:

ClinVar aggregate classification (germline): Uncertain significance (1 of 4 stars; one submission).

Conditions:
Anauxetic dysplasia. Identifiers: Orphanet 93347, MedGen C1846796, MONDO:0011773.

Allele frequency attached by ClinVar (database versions not stated): gnomAD exomes 0.00001; TOPMed 0.00001.
gnomAD v4.1: 3 of 694,780 alleles (0.00043%); highest among the groups gnomAD compares: African/African-American, 0.0019%; no homozygotes.

Submission:

Labcorp Genetics (formerly Invitae), Labcorp
Classification: Uncertain significance for Anauxetic dysplasia. Last evaluated: 2021-08-31. Review status: criteria provided, single submitter. Criteria: Invitae Variant Classification Sherloc (09022015). Collection method: clinical testing. Allele origin: germline.
Comment: This variant occurs in the RMRP gene, which encodes an RNA molecule that does not result in a protein product. The frequency data for this variant in the population databases is considered unreliable, as metrics indicate insufficient coverage at this position in the ExAC database. This variant has not been reported in the literature in individuals affected with RMRP-related conditions. Experimental studies and prediction algorithms are not available or were not evaluated, and the functional significance of this variant is currently unknown. In summary, the available evidence is currently insufficient to determine the role of this variant in disease. Therefore, it has been classified as a Variant of Uncertain Significance.

NC_000009.12:g.35657884T>C

Gene: RMRP (RNA component of mitochondrial RNA processing endoribonuclease; minus strand). Cytogenetic location: 9p13.3.
Variant type: single nucleotide variant.
Genome position: GRCh38 VCF-style: chr9-35657884-T-C. GRCh37 (hg19) VCF-style: chr9-35657881-T-C.
Identifiers: ClinVar variation 970670 (VCV000970670.6), dbSNP rs765138079, ClinGen allele CA192745610.